The following is an entry in ClinVar:

ClinVar aggregate classification (germline): Conflicting classifications of pathogenicity. Review status: criteria provided, conflicting classifications (1 of 4 stars). 3 submissions from 3 submitters: Uncertain significance (2); Likely benign (1). Last evaluated 2025-06-05.

Conditions:
Inborn genetic diseases. Identifiers: MedGen C0950123, MeSH D030342.

Allele frequency attached by ClinVar (database versions not stated): ExAC 0.00005; gnomAD exomes 0.00005 and 0.00007; gnomAD 0.00007 and 0.00009; TOPMed 0.00008; 1000 Genomes Project 30x 0.00016; 1000 Genomes Project 0.00020; ESP Exome Variant Server 0.00023.

Submissions (3):

Labcorp Genetics (formerly Invitae), Labcorp
Classification: Uncertain significance. Last evaluated: 2025-06-05. Review status: criteria provided, single submitter. Criteria: Invitae Variant Classification Sherloc (09022015). Collection method: clinical testing. Allele origin: germline.
Comment: This sequence change replaces arginine, which is basic and polar, with glutamine, which is neutral and polar, at codon 553 of the DLL4 protein (p.Arg553Gln). This variant is present in population databases (rs375688749, gnomAD 0.01%). This variant has not been reported in the literature in individuals affected with DLL4-related conditions. ClinVar contains an entry for this variant (Variation ID: 1306995). Invitae Evidence Modeling of protein sequence and biophysical properties (such as structural, functional, and spatial information, amino acid conservation, physicochemical variation, residue mobility, and thermodynamic stability) indicates that this missense variant is not expected to disrupt DLL4 protein function with a negative predictive value of 80%. In summary, the available evidence is currently insufficient to determine the role of this variant in disease. Therefore, it has been classified as a Variant of Uncertain Significance.

GeneDx
Classification: Uncertain significance. Last evaluated: 2024-03-19. Review status: criteria provided, single submitter. Criteria: GeneDx Variant Classification Process June 2021. Collection method: clinical testing. Allele origin: germline. Affected: yes.
Comment: In silico analysis supports that this missense variant does not alter protein structure/function; Has not been previously published as pathogenic or benign to our knowledge

Ambry Genetics
Classification: Likely benign for Inborn genetic diseases. Last evaluated: 2022-12-13. Review status: criteria provided, single submitter. Criteria: Ambry Variant Classification Scheme 2023. Collection method: clinical testing. Allele origin: germline.

NM_019074.4(DLL4):c.1658G>A (p.Arg553Gln)

Gene: DLL4 (delta like canonical Notch ligand 4; plus strand). Cytogenetic location: 15q15.1.
Variant type: single nucleotide variant.
Coding change: c.1658G>A on transcript NM_019074.4 (MANE Select); coding-DNA position 1658, G replaced by A.
Protein change: p.Arg553Gln; replaces arginine 553 with glutamine.
Molecular consequence: missense variant.
Genome position (GRCh38, 1-based): chr15:40,936,645, G>A. VCF-style: chr15-40936645-G-A. GRCh37 (hg19) VCF-style: chr15-41228843-G-A.
Other names: short protein forms R553Q.
Identifiers: ClinVar variation 1306995 (VCV001306995.9), dbSNP rs375688749, ClinGen allele CA7487971.